The following is an entry in ClinVar:

NM_007294.4(BRCA1):c.2487_2488insCCCCT (p.Lys830fs)

Gene: BRCA1 (BRCA1 DNA repair associated; minus strand). Cytogenetic location: 17q21.31.
Variant type: Insertion.
Coding change: c.2487_2488insCCCCT on transcript NM_007294.4 (MANE Select); coding-DNA positions 2487 to 2488, CCCCT inserted.
Protein change: p.Lys830fs; shifts the reading frame from lysine 830.
Molecular consequence: frameshift variant. On other transcripts: intron variant (137).
Genome position: GRCh38 VCF-style: chr17-43093043-T-TAGGGG. GRCh37 (hg19) VCF-style: chr17-41245060-T-TAGGGG.
Other names: 2606_2607ins5-ter847; c.2487_2488insCCCCT, p.Lys830fs (NM_007294.3, NM_001407581.1, NM_001407582.1 and 31 more transcripts); c.2274_2275insCCCCT, p.Lys759fs (NM_001407571.1, NM_001407853.1, NM_001407894.1 and 9 more transcripts); c.2484_2485insCCCCT, p.Lys829fs (NM_001407587.1, NM_001407590.1, NM_001407591.1 and 22 more transcripts); c.2478_2479insCCCCT, p.Lys827fs (NM_001407646.1, NM_001407647.1); c.2364_2365insCCCCT, p.Lys789fs (NM_001407648.1, NM_001407664.1, NM_001407665.1 and 19 more transcripts); c.2361_2362insCCCCT, p.Lys788fs (NM_001407649.1, NM_001407670.1, NM_001407671.1 and 11 more transcripts); c.2409_2410insCCCCT, p.Lys804fs (NM_001407653.1, NM_001407654.1, NM_001407655.1 and 4 more transcripts); and 42 more; short protein forms K783fs, K830fs, K741fs, K788fs, K829fs, K662fs, K702fs, K703fs.
Identifiers: ClinVar variation 266268 (VCV000266268.6), dbSNP rs397508972, ClinGen allele CA10589848.
Genomic context (GRCh38, chr17:43,093,043, plus strand): 5'-TTTCTTCCATTTCTATGCTTGTTTCCCGACTGTGGTTAACTTCATGTCCCAATGGATACT[T>TAGGGG]AAAGCCTTCTGTGTCATTTCTATTATCTTTGGAACAACCATGAATTAGTCCCTTGGGGTT-3'

ClinVar aggregate classification (germline): Pathogenic. Review status: reviewed by expert panel (3 of 4 stars). 2 submissions from 2 submitters: Pathogenic (1). 1 of the submissions does not count toward it. Last evaluated 2016-10-18.

Conditions:
Breast-ovarian cancer, familial, susceptibility to, 1 (BROVCA1). Also called: BRCA1 Hereditary Breast and Ovarian Cancer; OVARIAN CANCER, SUSCEPTIBILITY TO. Identifiers: Orphanet 145, MedGen C2676676, MONDO:0011450, OMIM 604370. Disease mechanism: loss of function.

Submissions (2):

Evidence-based Network for the Interpretation of Germline Mutant Alleles (ENIGMA)
Classification: Pathogenic for Breast-ovarian cancer, familial, susceptibility to, 1. Last evaluated: 2016-10-18. Review status: reviewed by expert panel. Criteria: ENIGMA BRCA1/2 Classification Criteria (2015). Collection method: curation. Allele origin: germline.
Comment: Variant allele predicted to encode a truncated non-functional protein.

Consortium of Investigators of Modifiers of BRCA1/2 (CIMBA), c/o University of Cambridge
Classification: Pathogenic for Breast-ovarian cancer, familial, susceptibility to, 1. Last evaluated: 2015-10-02. Review status: criteria provided, single submitter. Criteria: CIMBA Mutation Classification guidelines May 2016. Collection method: clinical testing. Allele origin: germline. Not counted in ClinVar's aggregate classification.